The following is an entry in ClinVar:

ClinVar aggregate classification (germline): Pathogenic. Review status: criteria provided, multiple submitters, no conflicts (2 of 4 stars). 2 submissions from 2 submitters: Pathogenic (2). Last evaluated 2024-11-19.

Conditions:
Acute infantile liver failure due to synthesis defect of mtDNA-encoded proteins. Also called: LIVER FAILURE, INFANTILE, TRANSIENT; TRMU Deficiency; Liver failure acute infantile. Identifiers: Orphanet 217371, MedGen C3278664, MONDO:0013111, OMIM 613070.

Allele frequency attached by ClinVar (database versions not stated): gnomAD 0.00002; TOPMed 0.00002.

Submissions (2):

Women's Health and Genetics/Laboratory Corporation of America, LabCorp
Classification: Pathogenic for Acute infantile liver failure due to synthesis defect of mtDNA-encoded proteins. Last evaluated: 2024-11-19. Review status: criteria provided, single submitter. Criteria: LabCorp Variant Classification Summary - May 2015. Collection method: clinical testing. Allele origin: germline.
Comment: Variant summary: NBAS c.3683_3689dupTAAAGAT (p.Leu1231LysfsX12) results in a premature termination codon, predicted to cause a truncation of the encoded protein or absence of the protein due to nonsense mediated decay, which are commonly known mechanisms for disease. The variant allele was found at a frequency of 4e-06 in 251326 control chromosomes (gnomAD). To our knowledge, no occurrence of c.3683_3689dupTAAAGAT in individuals affected with Liver Failure Acute Infantile, Type 2 and no experimental evidence demonstrating its impact on protein function have been reported. ClinVar contains an entry for this variant (Variation ID: 2996842). Based on the evidence outlined above, the variant was classified as pathogenic.

Labcorp Genetics (formerly Invitae), Labcorp
Classification: Pathogenic. Last evaluated: 2024-04-08. Review status: criteria provided, single submitter. Criteria: Invitae Variant Classification Sherloc (09022015). Collection method: clinical testing. Allele origin: germline.
Comment: This sequence change creates a premature translational stop signal (p.Leu1231Lysfs*12) in the NBAS gene. It is expected to result in an absent or disrupted protein product. Loss-of-function variants in NBAS are known to be pathogenic (PMID: 26073778, 26541327, 27789416, 28031453). This variant is present in population databases (no rsID available, gnomAD 0.01%). This variant has not been reported in the literature in individuals affected with NBAS-related conditions. For these reasons, this variant has been classified as Pathogenic.

Literature cited by the submitters: PubMed 26073778 (cited by Labcorp Genetics (formerly Invitae), Labcorp); PubMed 26541327 (cited by Labcorp Genetics (formerly Invitae), Labcorp); PubMed 27789416 (cited by Labcorp Genetics (formerly Invitae), Labcorp); PubMed 28031453 (cited by Labcorp Genetics (formerly Invitae), Labcorp).

NM_015909.4(NBAS):c.3683_3689dup (p.Leu1231fs)

Gene: NBAS (NBAS subunit of NRZ tethering complex; minus strand). Cytogenetic location: 2p24.3.
Variant type: Duplication.
Coding change: c.3683_3689dup on transcript NM_015909.4 (MANE Select); coding-DNA positions 3683 to 3689, 7 bases duplicated (TAAAGAT; older notation c.3683_3689dupTAAAGAT).
Protein change: p.Leu1231fs; shifts the reading frame from leucine 1231.
Molecular consequence: frameshift variant. On other transcripts: non-coding transcript variant (1).
Genome position (GRCh38, 1-based): chr2:15,374,622-15,374,628, ATCTTTA duplicated on the plus strand (TAAAGAT on the coding strand, the reverse complement: NBAS is on the minus strand). VCF-style (leftmost placement, unchanged base first): chr2-15374621-G-GATCTTTA. GRCh37 (hg19) VCF-style: chr2-15514745-G-GATCTTTA.
Other names: c.3683_3689dupTAAAGAT (NM_015909.4); short protein forms L1231fs.
Identifiers: ClinVar variation 2996842 (VCV002996842.4), dbSNP rs867909116, ClinGen allele CA42634502.